The following is an entry in ClinVar:

NM_001363711.2(DUOX2):c.3394A>C (p.Met1132Leu)

Gene: DUOX2 (dual oxidase 2; minus strand). Cytogenetic location: 15q21.1.
Variant type: single nucleotide variant.
Coding change: c.3394A>C on transcript NM_001363711.2 (MANE Select); coding-DNA position 3394, A replaced by C.
Protein change: p.Met1132Leu; replaces methionine 1132 with leucine.
Molecular consequence: missense variant.
Genome position (GRCh38, 1-based): chr15:45,099,683, T>G on the plus strand (A>C on the coding strand, the complement: DUOX2 is on the minus strand). VCF-style: chr15-45099683-T-G. GRCh37 (hg19) VCF-style: chr15-45391881-T-G.
Other names: c.3394A>C, p.Met1132Leu (NM_014080.5); short protein forms M1132L.
Identifiers: ClinVar variation 1959202 (VCV001959202.4), dbSNP rs939551285, ClinGen allele CA270122404.

ClinVar aggregate classification (germline): Uncertain significance (1 of 4 stars; one submission).

Allele frequency attached by ClinVar (database versions not stated): TOPMed 0.00001.

Submission:

Labcorp Genetics (formerly Invitae), Labcorp
Classification: Uncertain significance. Last evaluated: 2025-07-15. Review status: criteria provided, single submitter. Criteria: Invitae Variant Classification Sherloc (09022015). Collection method: clinical testing. Allele origin: germline.
Comment: This sequence change replaces methionine, which is neutral and non-polar, with leucine, which is neutral and non-polar, at codon 1132 of the DUOX2 protein (p.Met1132Leu). This variant is not present in population databases (gnomAD no frequency). This variant has not been reported in the literature in individuals affected with DUOX2-related conditions. ClinVar contains an entry for this variant (Variation ID: 1959202). Invitae Evidence Modeling of protein sequence and biophysical properties (such as structural, functional, and spatial information, amino acid conservation, physicochemical variation, residue mobility, and thermodynamic stability) indicates that this missense variant is not expected to disrupt DUOX2 protein function with a negative predictive value of 80%. In summary, the available evidence is currently insufficient to determine the role of this variant in disease. Therefore, it has been classified as a Variant of Uncertain Significance.